The following is an entry in ClinVar:

NM_000287.4(PEX6):c.2095-12T>G

Gene: PEX6 (peroxisomal biogenesis factor 6; minus strand). Cytogenetic location: 6p21.1.
Variant type: single nucleotide variant.
Coding change: c.2095-12T>G on transcript NM_000287.4 (MANE Select); 12 bases into the intron before coding-DNA position 2095, T replaced by G.
Molecular consequence: intron variant.
Genome position (GRCh38, 1-based): chr6:42,966,459, A>C on the plus strand (T>G on the coding strand, the complement: PEX6 is on the minus strand). VCF-style: chr6-42966459-A-C. GRCh37 (hg19) VCF-style: chr6-42934197-A-C.
Other names: c.1831-12T>G (NM_001316313.2); c.2095-12T>G (NM_000287.3).
Identifiers: ClinVar variation 1591415 (VCV001591415.9), dbSNP rs760820489, ClinGen allele CA3811121.

ClinVar aggregate classification (germline): Likely benign. Review status: criteria provided, single submitter (1 of 4 stars). 2 submissions from 2 submitters: Likely benign (1). 1 of the submissions does not count toward it. Last evaluated 2024-04-22.

Conditions:
PEX6-related disorder. Also called: PEX6-related condition; PEX6-related disorders.
Peroxisome biogenesis disorder. Identifiers: Orphanet 79189, MedGen C1832200, MONDO:0019234. Disease mechanism: loss of function.

Allele frequency attached by ClinVar (database versions not stated): gnomAD 0.00004.
gnomAD v4.1: 12 of 1,613,926 alleles (0.00074%); highest among the groups gnomAD compares: Non-Finnish European, 0.001%; no homozygotes.

Submissions (2):

Labcorp Genetics (formerly Invitae), Labcorp
Classification: Likely benign for Peroxisome biogenesis disorder. Last evaluated: 2024-04-22. Review status: criteria provided, single submitter. Criteria: Invitae Variant Classification Sherloc (09022015). Collection method: clinical testing. Allele origin: germline.

PreventionGenetics, part of Exact Sciences
Classification: Likely benign for PEX6-related condition. Last evaluated: 2024-07-22. Review status: no assertion criteria provided. Collection method: clinical testing. Allele origin: germline. Not counted in ClinVar's aggregate classification.
Comment: This variant is classified as likely benign based on ACMG/AMP sequence variant interpretation guidelines (Richards et al. 2015 PMID: 25741868, with internal and published modifications).